The following is an entry in ClinVar:

ClinVar aggregate classification (germline): Uncertain significance (1 of 4 stars; one submission).

Conditions:
Hereditary cancer-predisposing syndrome. Also called: Tumor predisposition; Hereditary Cancer Syndrome; Hereditary neoplastic syndrome; Neoplastic Syndromes, Hereditary. Identifiers: Orphanet 140162, MedGen C0027672, MeSH D009386, MONDO:0015356.

Submission:

Ambry Genetics
Classification: Uncertain significance for Hereditary cancer-predisposing syndrome. Last evaluated: 2024-03-18. Review status: criteria provided, single submitter. Criteria: Ambry Variant Classification Scheme 2023. Collection method: clinical testing. Allele origin: germline.
Comment: The p.A541T variant (also known as c.1621G>A), located in coding exon 8 of the ALK gene, results from a G to A substitution at nucleotide position 1621. The alanine at codon 541 is replaced by threonine, an amino acid with similar properties. This amino acid position is conserved. In addition, this alteration is predicted to be tolerated by in silico analysis. Based on the available evidence, the clinical significance of this alteration remains unclear.

NM_004304.5(ALK):c.1621G>A (p.Ala541Thr)

Gene: ALK (ALK receptor tyrosine kinase; minus strand). Cytogenetic location: 2p23.2.
Variant type: single nucleotide variant.
Coding change: c.1621G>A on transcript NM_004304.5 (MANE Select); coding-DNA position 1621, G replaced by A.
Protein change: p.Ala541Thr; replaces alanine 541 with threonine.
Molecular consequence: missense variant.
Genome position (GRCh38, 1-based): chr2:29,318,330, C>T on the plus strand (G>A on the coding strand, the complement: ALK is on the minus strand). VCF-style: chr2-29318330-C-T. GRCh37 (hg19) VCF-style: chr2-29541196-C-T.
Other names: short protein forms A541T.
Identifiers: ClinVar variation 3285167 (VCV003285167.1).